The following is an entry in ClinVar:

NM_000049.4(ASPA):c.203A>C (p.Asp68Ala)

Genes: ASPA (aspartoacylase; plus strand), SPATA22 (spermatogenesis associated 22; minus strand). Cytogenetic location: 17p13.2.
Variant type: single nucleotide variant.
Coding change: c.203A>C on transcript NM_000049.4 (MANE Select); coding-DNA position 203, A replaced by C.
Protein change: p.Asp68Ala; replaces aspartic acid 68 with alanine.
Molecular consequence: missense variant. On other transcripts: intron variant (2).
Genome position (GRCh38, 1-based): chr17:3,476,362, A>C. VCF-style: chr17-3476362-A-C. GRCh37 (hg19) VCF-style: chr17-3379656-A-C.
Other names: c.203A>C (NM_000049.2); c.203A>C, p.Asp68Ala (NM_001128085.1); c.-73-6964T>G (NM_001321336.2, NM_001321337.2); short protein forms D68A.
Identifiers: ClinVar variation 3375134 (VCV003375134.1).

ClinVar aggregate classification (germline): Likely pathogenic. Review status: criteria provided, multiple submitters, no conflicts (2 of 4 stars). 2 submissions from 2 submitters: Likely pathogenic (2). Last evaluated 2025-01-23.

Conditions:
Canavan Disease, Familial Form. Identifiers: MedGen C0751663.
Spongy degeneration of central nervous system. Also called: ACY2 DEFICIENCY; AMINOACYLASE 2 DEFICIENCY; ASP DEFICIENCY; ASPA DEFICIENCY; ASPARTOACYLASE DEFICIENCY; CANAVAN-VAN BOGAERT-BERTRAND DISEASE. Identifiers: Orphanet 141, MedGen C0206307, MONDO:0010079, OMIM 271900.

Submissions (2):

Natera, Inc.
Classification: Likely pathogenic for Canavan Disease. Last evaluated: 2025-01-23. Review status: criteria provided, single submitter. Criteria: Natera Variant Classification Schema (03/2026). Collection method: clinical testing. Allele origin: germline.
Comment: The c.203A>C variant in ASPA is a missense variant predicted to cause substitution of aspartic acid to alanine at amino acid 68. This variant is rare in the general population with a frequency below the threshold expected for the associated phenotype(s). This variant has been observed in one or more individuals affected with the associated recessive disease, as either homozygous or compound heterozygous with a second variant (PMID: 12638939). Functional studies show that this variant may disrupt protein function (PMID: 12638939). Computational prediction algorithms indicate this variant is likely to affect gene or protein function. Given the available evidence, this variant is classified as Likely Pathogenic.

Women's Health and Genetics/Laboratory Corporation of America, LabCorp
Classification: Likely pathogenic for Canavan Disease, Familial Form. Last evaluated: 2024-09-27. Review status: criteria provided, single submitter. Criteria: LabCorp Variant Classification Summary - May 2015. Collection method: clinical testing. Allele origin: germline.
Comment: Variant summary: ASPA c.203A>C (p.Asp68Ala) results in a non-conservative amino acid change in the encoded protein sequence. Five of five in-silico tools predict a damaging effect of the variant on protein function. The variant was absent in 251428 control chromosomes. c.203A>C has been reported in the literature in the presumed compound heterozygous state in at least 1 individual affected with Canavan Disease (example, Zeng_2002). At least one publication reports experimental evidence evaluating an impact on protein function. The most pronounced variant effect results in <10% of normal activity in vitro (example, Zeng_2002). The following publication has been ascertained in the context of this evaluation (PMID: 12638939). No submitters have cited clinical-significance assessments for this variant to ClinVar. Based on the evidence outlined above, the variant was classified as likely pathogenic.

Literature cited by the submitters: PubMed 12638939 (cited by Natera, Inc. and Women's Health and Genetics/Laboratory Corporation of America, LabCorp).